The following is an entry in ClinVar:

NM_001367561.1(DOCK7):c.2861C>G (p.Ala954Gly)

Gene: DOCK7 (dedicator of cytokinesis 7; minus strand). Cytogenetic location: 1p31.3.
Variant type: single nucleotide variant.
Coding change: c.2861C>G on transcript NM_001367561.1 (MANE Select); coding-DNA position 2861, C replaced by G.
Protein change: p.Ala954Gly; replaces alanine 954 with glycine.
Molecular consequence: missense variant.
Genome position (GRCh38, 1-based): chr1:62,543,744, G>C on the plus strand (C>G on the coding strand, the complement: DOCK7 is on the minus strand). VCF-style: chr1-62543744-G-C. GRCh37 (hg19) VCF-style: chr1-63009415-G-C.
Other names: c.2861C>G, p.Ala954Gly (NM_001271999.2, NM_001330614.2); c.2768C>G, p.Ala923Gly (NM_001272000.2, NM_001272001.2, NM_033407.4); short protein forms A923G, A954G.
Identifiers: ClinVar variation 2073869 (VCV002073869.3), dbSNP rs774119910, ClinGen allele CA886150.
Genomic context (GRCh38, chr1:62,543,744, plus strand): 5'-GTTTGTAAGAAACTTGACGTCTCTGTGTGCGAAGACATACGATTACAACTTCGATCCATA[G>C]CCTATGGAGTGAAGATGAATGAATGACGAGATAACATTAACGTTTGCAGTGGATGACTTT-3'
Protein context (NP_001354490.1, residues 944-964): NPSPSAESTQ[Ala954Gly]MDRSCNRMSS

ClinVar aggregate classification (germline): Uncertain significance (1 of 4 stars; one submission).

Conditions:
Developmental and epileptic encephalopathy, 23 (DEE23). Also called: Epileptic encephalopathy, early infantile, 23. Identifiers: Orphanet 411986, MedGen C4014492, MONDO:0014371, OMIM 615859.

Allele frequency attached by ClinVar (database versions not stated): gnomAD 0.00001; TOPMed 0.00002; ExAC 0.00003.
gnomAD v4.1: 5 of 1,576,086 alleles (0.00032%); highest among the groups gnomAD compares: East Asian, 0.011%; no homozygotes.

Submission:

Labcorp Genetics (formerly Invitae), Labcorp
Classification: Uncertain significance for Developmental and epileptic encephalopathy, 23. Last evaluated: 2022-05-27. Review status: criteria provided, single submitter. Criteria: Invitae Variant Classification Sherloc (09022015). Collection method: clinical testing. Allele origin: germline.
Comment: In summary, the available evidence is currently insufficient to determine the role of this variant in disease. Therefore, it has been classified as a Variant of Uncertain Significance. This sequence change replaces alanine, which is neutral and non-polar, with glycine, which is neutral and non-polar, at codon 954 of the DOCK7 protein (p.Ala954Gly). This variant is present in population databases (rs774119910, gnomAD 0.05%). This variant has not been reported in the literature in individuals affected with DOCK7-related conditions. Algorithms developed to predict the effect of missense changes on protein structure and function (SIFT, PolyPhen-2, Align-GVGD) all suggest that this variant is likely to be tolerated. Algorithms developed to predict the effect of sequence changes on RNA splicing suggest that this variant may create or strengthen a splice site.